The following is an entry in ClinVar:

NM_001519.4(BRF1):c.720T>C (p.His240=)

Gene: BRF1 (BRF1 general transcription factor IIIB subunit; minus strand). Cytogenetic location: 14q32.33.
Variant type: single nucleotide variant.
Coding change: c.720T>C on transcript NM_001519.4 (MANE Select); coding-DNA position 720, T replaced by C.
Protein change: p.His240=; no amino-acid change (histidine 240 retained).
Molecular consequence: synonymous variant.
Genome position (GRCh38, 1-based): chr14:105,228,888, A>G on the plus strand (T>C on the coding strand, the complement: BRF1 is on the minus strand). VCF-style: chr14-105228888-A-G. GRCh37 (hg19) VCF-style: chr14-105695225-A-G.
Other names: c.375T>C, p.His125= (NM_001242786.2, NM_001242787.2); c.639T>C, p.His213= (NM_001242788.2); c.6T>C, p.His2= (NM_001242789.2); c.720T>C, p.His240= (NM_001440449.1); c.570T>C, p.His190= (NM_001440450.1); c.225T>C, p.His75= (NM_001440451.1); c.207T>C, p.His69= (NM_001440452.1, NM_001440453.1); c.57T>C, p.His19= (NM_001440454.1); and 1 more.
Identifiers: ClinVar variation 4821556 (VCV004821556.4).

ClinVar aggregate classification (germline): Likely benign (1 of 4 stars; one submission).

gnomAD v4.1: 4 of 1,613,754 alleles (0.00025%); highest among the groups gnomAD compares: Admixed American, 0.0017%; no homozygotes.

Submission:

CeGaT Center for Human Genetics Tuebingen
Classification: Likely benign. Last evaluated: 2026-03-01. Review status: criteria provided, single submitter. Criteria: CeGaT Center For Human Genetics Tuebingen Variant Classification Criteria Version 2. Collection method: clinical testing. Allele origin: germline. Affected: yes. Observed: 1 variant allele.
Comment: BRF1: BP4, BP7